The following is an entry in ClinVar:

ClinVar aggregate classification (germline): Uncertain significance. Review status: criteria provided, multiple submitters, no conflicts (2 of 4 stars). 2 submissions from 2 submitters: Uncertain significance (2). Last evaluated 2024-11-29.

Conditions:
Inborn genetic diseases. Identifiers: MedGen C0950123, MeSH D030342.

gnomAD v4.1: 170 of 1,614,228 alleles (0.011%); highest among the groups gnomAD compares: African/African-American, 0.18%; no homozygotes.

Submissions (2):

GeneDx
Classification: Uncertain significance. Last evaluated: 2024-11-29. Review status: criteria provided, single submitter. Criteria: GeneDx Variant Classification Process June 2021. Collection method: clinical testing. Allele origin: germline. Affected: yes.
Comment: Has not been previously published as pathogenic or benign to our knowledge; In silico analysis supports that this missense variant has a deleterious effect on protein structure/function

Ambry Genetics
Classification: Uncertain significance for Inborn genetic diseases. Last evaluated: 2024-09-03. Review status: criteria provided, single submitter. Criteria: Ambry Variant Classification Scheme 2023. Collection method: clinical testing. Allele origin: germline.

NM_000494.4(COL17A1):c.825C>G (p.Ser275Arg)

Gene: COL17A1 (collagen type XVII alpha 1 chain; minus strand). Cytogenetic location: 10q25.1.
Variant type: single nucleotide variant.
Coding change: c.825C>G on transcript NM_000494.4 (MANE Select); coding-DNA position 825, C replaced by G.
Protein change: p.Ser275Arg; replaces serine 275 with arginine.
Molecular consequence: missense variant.
Genome position (GRCh38, 1-based): chr10:104,063,760, G>C on the plus strand (C>G on the coding strand, the complement: COL17A1 is on the minus strand). VCF-style: chr10-104063760-G-C. GRCh37 (hg19) VCF-style: chr10-105823518-G-C.
Other names: short protein forms S275R.
Identifiers: ClinVar variation 3495158 (VCV003495158.2).